The following is an entry in ClinVar:

NM_000492.4(CFTR):c.1158C>A (p.Asn386Lys)

Gene: CFTR (CF transmembrane conductance regulator; plus strand). Cytogenetic location: 7q31.2.
Variant type: single nucleotide variant.
Coding change: c.1158C>A on transcript NM_000492.4 (MANE Select); coding-DNA position 1158, C replaced by A.
Protein change: p.Asn386Lys; replaces asparagine 386 with lysine.
Molecular consequence: missense variant.
Genome position (GRCh38, 1-based): chr7:117,542,057, C>A. VCF-style: chr7-117542057-C-A. GRCh37 (hg19) VCF-style: chr7-117182111-C-A.
Other names: short protein forms N386K.
Identifiers: ClinVar variation 5034424 (VCV005034424.1).

ClinVar aggregate classification (germline): Uncertain significance (1 of 4 stars; one submission).

Conditions:
Cystic fibrosis (CF). Also called: MUCOVISCIDOSIS. Identifiers: Orphanet 586, MedGen C0010674, MONDO:0009061, OMIM 219700. Disease mechanism: loss of function.

Submission:

Ambry Genetics
Classification: Uncertain significance for Cystic fibrosis. Last evaluated: 2026-09-07. Review status: criteria provided, single submitter. Criteria: Ambry Variant Classification Scheme 2023. Collection method: clinical testing. Allele origin: germline.
Comment: The p.N386K variant (also known as c.1158C>A), located in coding exon 9 of the CFTR gene, results from a C to A substitution at nucleotide position 1158. The asparagine at codon 386 is replaced by lysine, an amino acid with similar properties. This amino acid position is conserved. In addition, the in silico prediction for this alteration is inconclusive. Based on the available evidence, the clinical significance of this variant remains unclear.